The following is an entry in ClinVar:

NM_016474.5(CCDC174):c.132A>G (p.Pro44=)

Gene: CCDC174 (coiled-coil domain containing 174; plus strand). Cytogenetic location: 3p25.1.
Variant type: single nucleotide variant.
Coding change: c.132A>G on transcript NM_016474.5 (MANE Select); coding-DNA position 132, A replaced by G.
Protein change: p.Pro44=; no amino-acid change (proline 44 retained).
Molecular consequence: synonymous variant. On other transcripts: non-coding transcript variant (1).
Genome position (GRCh38, 1-based): chr3:14,654,515, A>G. VCF-style: chr3-14654515-A-G. GRCh37 (hg19) VCF-style: chr3-14696022-A-G.
Identifiers: ClinVar variation 729670 (VCV000729670.13), dbSNP rs181875050, ClinGen allele CA2269926.

ClinVar aggregate classification (germline): Benign/Likely benign. Review status: criteria provided, multiple submitters, no conflicts (2 of 4 stars). 3 submissions from 3 submitters: Benign (1); Likely benign (2). Last evaluated 2025-07-01.

Allele frequency attached by ClinVar (database versions not stated): gnomAD exomes 0.00027 and 0.00077; ExAC 0.00116; 1000 Genomes Project 0.00180; 1000 Genomes Project 30x 0.00234; gnomAD 0.00280 and 0.00307; TOPMed 0.00324; ESP Exome Variant Server 0.00412.
gnomAD v4.1: 810 of 1,508,744 alleles (0.054%); highest among the groups gnomAD compares: African/African-American, 1%; 3 homozygotes.

Submissions (3):

CeGaT Center for Human Genetics Tuebingen
Classification: Likely benign. Last evaluated: 2025-07-01. Review status: criteria provided, single submitter. Criteria: CeGaT Center For Human Genetics Tuebingen Variant Classification Criteria Version 2. Collection method: clinical testing. Allele origin: germline. Affected: yes. Observed: 1 variant allele.
Comment: CCDC174: BP4, BP7

Blueprint Genetics
Classification: Likely benign. Last evaluated: 2024-10-16. Review status: criteria provided, single submitter. Criteria: ACMG Guidelines, 2015. Collection method: clinical testing. Allele origin: germline.

Labcorp Genetics (formerly Invitae), Labcorp
Classification: Benign. Last evaluated: 2019-12-31. Review status: criteria provided, single submitter. Criteria: Invitae Variant Classification Sherloc (09022015). Collection method: clinical testing. Allele origin: germline.